The following is an entry in ClinVar:

ClinVar aggregate classification (germline): Pathogenic (1 of 4 stars; one submission).

Conditions:
Epidermodysplasia verruciformis. Identifiers: Orphanet 302, MedGen C0014522, MONDO:0009176.

Allele frequency attached by ClinVar (database versions not stated): gnomAD exomes 0.00001.

Submission:

Labcorp Genetics (formerly Invitae), Labcorp
Classification: Pathogenic for Epidermodysplasia verruciformis. Last evaluated: 2022-09-10. Review status: criteria provided, single submitter. Criteria: Invitae Variant Classification Sherloc (09022015). Collection method: clinical testing. Allele origin: germline.
Comment: For these reasons, this variant has been classified as Pathogenic. This variant has not been reported in the literature in individuals affected with TMC8-related conditions. This variant is not present in population databases (gnomAD no frequency). This sequence change creates a premature translational stop signal (p.Lys403Glufs*4) in the TMC8 gene. It is expected to result in an absent or disrupted protein product. Loss-of-function variants in TMC8 are known to be pathogenic (PMID: 12426567, 22158547).

Literature cited by the submitters: PubMed 12426567; PubMed 22158547.

NM_152468.5(TMC8):c.1207_1208del (p.Lys403fs)

Gene: TMC8 (transmembrane channel like 8; plus strand). Cytogenetic location: 17q25.3.
Variant type: Deletion.
Coding change: c.1207_1208del on transcript NM_152468.5 (MANE Select); coding-DNA positions 1207 to 1208, 2 bases deleted (AA; older notation c.1207_1208delAA).
Protein change: p.Lys403fs; shifts the reading frame from lysine 403.
Molecular consequence: frameshift variant.
Genome position (GRCh38, 1-based): chr17:78,137,314-78,137,315, AA deleted. VCF-style (leftmost placement, unchanged base first): chr17-78137313-CAA-C. GRCh37 (hg19) VCF-style: chr17-76133394-CAA-C.
Other names: short protein forms K403fs.
Identifiers: ClinVar variation 1954704 (VCV001954704.5), dbSNP rs2510806153, ClinGen allele CA2580095269.
Genomic context (GRCh38, chr17:78,137,313, plus strand): 5'-GGCCAGCTTGGGGATGTTCTCCGTCTCCCTGGGTCAGACCATACTGTGCATTGGCAGAGA[CAA>C]GAGCAGCTGTGAGTCCTACGGCTACAACGTTTGTGACTATCAGGTGGCTGGCAGCCCGGC-3'